The following is an entry in ClinVar:

ClinVar aggregate classification (germline): Uncertain significance (1 of 4 stars; one submission).

Submission:

Ambry Genetics
Classification: Uncertain significance. Last evaluated: 2025-12-11. Review status: criteria provided, single submitter. Criteria: Ambry Variant Classification Scheme 2023. Collection method: clinical testing. Allele origin: germline.
Comment: The p.E770G variant (also known as c.2309A>G), located in coding exon 22 of the KIF1B gene, results from an A to G substitution at nucleotide position 2309. The glutamic acid at codon 770 is replaced by glycine, an amino acid with similar properties. This amino acid position is not well conserved in available vertebrate species. In addition, this alteration is predicted to be tolerated by in silico analysis. The evidence for this gene-disease relationship is limited; therefore, the clinical significance of this alteration is unclear.

NM_001365951.3(KIF1B):c.2447A>G (p.Glu816Gly)

Gene: KIF1B (kinesin family member 1B; plus strand). Cytogenetic location: 1p36.22.
Variant type: single nucleotide variant.
Coding change: c.2447A>G on transcript NM_001365951.3 (MANE Select); coding-DNA position 2447, A replaced by G.
Protein change: p.Glu816Gly; replaces glutamic acid 816 with glycine.
Molecular consequence: missense variant.
Genome position (GRCh38, 1-based): chr1:10,323,972, A>G. VCF-style: chr1-10323972-A-G. GRCh37 (hg19) VCF-style: chr1-10384030-A-G.
Other names: c.2447A>G, p.Glu816Gly (NM_001365952.1); c.2309A>G, p.Glu770Gly (NM_015074.3); short protein forms E770G, E816G.
Identifiers: ClinVar variation 4543687 (VCV004543687.1).